The following is an entry in ClinVar:

ClinVar aggregate classification (germline): Pathogenic/Likely pathogenic. Review status: criteria provided, multiple submitters, no conflicts (2 of 4 stars). 6 submissions from 5 submitters: Pathogenic (2); Likely pathogenic (2). 2 of the submissions do not count toward it. Last evaluated 2024-12-12.

Conditions:
Cardiovascular phenotype. Identifiers: MedGen CN230736.
Telangiectasia, hereditary hemorrhagic, type 2 (HHT2). Also called: Telangiectasia, hereditary hemorrhagic, type II; ACVRL1-Related Hereditary Hemorrhagic Telangiectasia. Identifiers: Orphanet 774, MedGen C1838163, MONDO:0010880, OMIM 600376. Disease mechanism: loss of function.
Pulmonary arterial hypertension related to hereditary hemorrhagic telangiectasia. Also called: PULMONARY ARTERIAL HYPERTENSION, HEREDITARY HEMORRHAGIC TELANGIECTASIA-RELATED. Identifiers: MedGen C1832529.

Submissions (6):

Ambry Genetics
Classification: Likely pathogenic for Cardiovascular phenotype. Last evaluated: 2024-12-12. Review status: criteria provided, single submitter. Criteria: Ambry Variant Classification Scheme 2023. Collection method: clinical testing. Allele origin: germline.
Comment: The c.760_762delGAC variant (also known as p.D254del) is located in coding exon 5 of the ACVRL1 gene. This variant results from an in-frame deletion of GAC between nucleotide positions 760 and 762. This results in the deletion of an aspartic acid residue at codon 254. In one study, this variant was detected in one HHT family and was found to segregate with disease (Trembath RC, et al. N. Engl. J. Med. 2001 Aug; 345(5):325-34). In addition, this variant was reported in an individual with epistaxis, telangiectasias, a hepatic ateriovenous malformation, and a family history of HHT (McDonald J, et al. Clin. Genet. 2011 Apr; 79(4):335-44). This amino acid position is well conserved in available vertebrate species. In addition, this alteration is predicted to be deleterious by in silico analysis (Choi Y et al. PLoS ONE. 2012; 7(10):e46688). This variant is considered to be rare based on population cohorts in the Genome Aggregation Database (gnomAD). Based on the majority of available evidence to date, this variant is likely to be pathogenic.

Labcorp Genetics (formerly Invitae), Labcorp
Classification: Pathogenic for Telangiectasia, hereditary hemorrhagic, type 2. Last evaluated: 2023-10-13. Review status: criteria provided, single submitter. Criteria: Invitae Variant Classification Sherloc (09022015). Collection method: clinical testing. Allele origin: germline.
Comment: This variant, c.760_762del, results in the deletion of 1 amino acid(s) of the ACVRL1 protein (p.Asp254del), but otherwise preserves the integrity of the reading frame. This variant is not present in population databases (gnomAD no frequency). This variant has been observed in individual(s) with clinical features of hereditary hemorrhagic telangiectasia (PMID: 11484689, 32300199; Invitae). ClinVar contains an entry for this variant (Variation ID: 8250). Algorithms developed to predict the effect of sequence changes on RNA splicing suggest that this variant may disrupt the consensus splice site. For these reasons, this variant has been classified as Pathogenic.

GeneDx
Classification: Likely pathogenic. Last evaluated: 2023-04-10. Review status: criteria provided, single submitter. Criteria: GeneDx Variant Classification Process June 2021. Collection method: clinical testing. Allele origin: germline.
Comment: Not observed at significant frequency in large population cohorts (gnomAD); In-frame deletion of 1 amino acid in a non-repeat region; In silico analysis supports a deleterious effect on protein structure/function; This variant is associated with the following publications: (PMID: 11484689, 26387786, 32300199, 16611099, 17384219)

ARUP Laboratories, Molecular Genetics and Genomics, ARUP Laboratories
Classification: Pathogenic. Last evaluated: 2017-05-23. Review status: criteria provided, single submitter. Criteria: ARUP Molecular Germline Variant Investigation Process. Collection method: clinical testing. Allele origin: germline.

OMIM
Classification: Pathogenic for TELANGIECTASIA, HEREDITARY HEMORRHAGIC, TYPE 2. Last evaluated: 2001-08-02. Review status: no assertion criteria provided. Collection method: literature only. Allele origin: germline. Not counted in ClinVar's aggregate classification.

OMIM
Classification: Pathogenic for PULMONARY ARTERIAL HYPERTENSION, HEREDITARY HEMORRHAGIC TELANGIECTASIA-RELATED. Last evaluated: 2001-08-02. Review status: no assertion criteria provided. Collection method: literature only. Allele origin: germline. Not counted in ClinVar's aggregate classification.

Literature cited by the submitters: PubMed 11484689 (cited by 3 submitters); PubMed 12114496 (cited by Ambry Genetics); PubMed 14684682 (cited by Ambry Genetics); PubMed 17384219 (cited by Ambry Genetics); PubMed 21158752 (cited by Ambry Genetics); PubMed 26387786 (cited by Ambry Genetics); PubMed 32300199 (cited by Ambry Genetics and Labcorp Genetics (formerly Invitae), Labcorp).

NM_000020.3(ACVRL1):c.760_762del (p.Asp254del)

Gene: ACVRL1 (activin A receptor like type 1; plus strand). Cytogenetic location: 12q13.13.
Variant type: Deletion.
Coding change: c.760_762del on transcript NM_000020.3 (MANE Select); coding-DNA positions 760 to 762, 3 bases deleted (GAC; older notation c.760_762delGAC).
Protein change: p.Asp254del; deletes aspartic acid 254.
Molecular consequence: inframe deletion.
Genome position (GRCh38, 1-based): chr12:51,914,573-51,914,575, GAC deleted; deleting any 3 consecutive bases within chr12:51,914,571-51,914,575 gives the same sequence; the c. name uses the placement nearest the transcript's 3' end. VCF-style (leftmost placement, unchanged base first): chr12-51914570-CACG-C. GRCh37 (hg19) VCF-style: chr12-52308354-CACG-C.
Other names: c.760_762delGAC (NM_000020.2); c.760_762del, p.Asp254del (NM_001077401.2); short protein forms D254del.
Identifiers: ClinVar variation 8250 (VCV000008250.17), dbSNP rs387906393, ClinGen allele CA119399.
Genomic context (GRCh38, chr12:51,914,570, plus strand): 5'-TCGAGGGATGAACAGTCCTGGTTCCGGGAGACTGAGATCTATAACACAGTGTTGCTCAGA[CACG>C]ACAACATCCTAGGCAAGGGGAGAGGCCAGCTGTGCCAGGCCTGGGGCTTTGCCCCCCTGC-3'